The following is an entry in ClinVar:

NM_006946.4(SPTBN2):c.5064G>A (p.Glu1688=)

Gene: SPTBN2 (spectrin beta, non-erythrocytic 2; minus strand). Cytogenetic location: 11q13.2.
Variant type: single nucleotide variant.
Coding change: c.5064G>A on transcript NM_006946.4 (MANE Select); coding-DNA position 5064, G replaced by A.
Protein change: p.Glu1688=; no amino-acid change (glutamic acid 1688 retained).
Molecular consequence: synonymous variant.
Genome position (GRCh38, 1-based): chr11:66,692,662, C>T on the plus strand (G>A on the coding strand, the complement: SPTBN2 is on the minus strand). VCF-style: chr11-66692662-C-T. GRCh37 (hg19) VCF-style: chr11-66460133-C-T.
Other names: c.5064G>A (NM_006946.2).
Identifiers: ClinVar variation 195891 (VCV000195891.6), dbSNP rs794727404, ClinGen allele CA242557.

ClinVar aggregate classification (germline): Conflicting classifications of pathogenicity. Review status: criteria provided, conflicting classifications (1 of 4 stars). 2 submissions from 2 submitters: Uncertain significance (1); Likely benign (1). Last evaluated 2025-12-24.

Conditions:
SPTBN2-related disorder. Also called: SPTBN2-related condition.

Allele frequency attached by ClinVar (database versions not stated): TOPMed below 0.00001; gnomAD 0.00001; gnomAD exomes 0.00001.
gnomAD v4.1: 4 of 1,603,932 alleles (0.00025%); highest among the groups gnomAD compares: Non-Finnish European, 0.00034%; no homozygotes.

Submissions (2):

PreventionGenetics, part of Exact Sciences
Classification: Likely benign for SPTBN2-related condition. Last evaluated: 2025-12-24. Review status: criteria provided, single submitter. Criteria: ACMG Guidelines, 2015. Collection method: clinical testing. Allele origin: germline.
Comment: This variant is classified as likely benign based on ACMG/AMP sequence variant interpretation guidelines (Richards et al. 2015 PMID: 25741868, with internal and published modifications).

Eurofins Ntd Llc (ga)
Classification: Uncertain significance. Last evaluated: 2015-04-24. Review status: criteria provided, single submitter. Criteria: EGL Classification Definitions 2015. Collection method: clinical testing. Allele origin: germline. Observed: 1 variant allele, 1 heterozygote.